The following is an entry in ClinVar:

NM_182914.3(SYNE2):c.13141G>T (p.Asp4381Tyr)

Gene: SYNE2 (spectrin repeat containing nuclear envelope protein 2; plus strand). Cytogenetic location: 14q23.2.
Variant type: single nucleotide variant.
Coding change: c.13141G>T on transcript NM_182914.3 (MANE Select); coding-DNA position 13141, G replaced by T.
Protein change: p.Asp4381Tyr; replaces aspartic acid 4381 with tyrosine.
Molecular consequence: missense variant.
Genome position (GRCh38, 1-based): chr14:64,121,044, G>T. VCF-style: chr14-64121044-G-T. GRCh37 (hg19) VCF-style: chr14-64587762-G-T.
Other names: c.13141G>T, p.Asp4381Tyr (NM_015180.6); short protein forms D4381Y.
Identifiers: ClinVar variation 656076 (VCV000656076.10), dbSNP rs1595663501, ClinGen allele CA389962142.

ClinVar aggregate classification (germline): Uncertain significance (1 of 4 stars; one submission).

Conditions:
Emery-Dreifuss muscular dystrophy 5, autosomal dominant (EDMD5). Also called: EMERY-DREIFUSS MUSCULAR DYSTROPHY 5. Identifiers: Orphanet 261, MedGen C2751805, MONDO:0013072, OMIM 612999.

Allele frequency attached by ClinVar (database versions not stated): gnomAD exomes below 0.00001.
gnomAD v4.1: 1 of 1,614,056 alleles (0.000062%); highest among the groups gnomAD compares: Non-Finnish European, 0.000085%; no homozygotes.

Submission:

Labcorp Genetics (formerly Invitae), Labcorp
Classification: Uncertain significance for Emery-Dreifuss muscular dystrophy 5, autosomal dominant. Last evaluated: 2022-07-26. Review status: criteria provided, single submitter. Criteria: Invitae Variant Classification Sherloc (09022015). Collection method: clinical testing. Allele origin: germline.
Comment: In summary, the available evidence is currently insufficient to determine the role of this variant in disease. Therefore, it has been classified as a Variant of Uncertain Significance. Algorithms developed to predict the effect of missense changes on protein structure and function are either unavailable or do not agree on the potential impact of this missense change (SIFT: "Tolerated"; PolyPhen-2: "Probably Damaging"; Align-GVGD: "Class C0"). ClinVar contains an entry for this variant (Variation ID: 656076). This variant has not been reported in the literature in individuals affected with SYNE2-related conditions. This variant is not present in population databases (gnomAD no frequency). This sequence change replaces aspartic acid, which is acidic and polar, with tyrosine, which is neutral and polar, at codon 4381 of the SYNE2 protein (p.Asp4381Tyr).